The following is an entry in ClinVar:

NM_014249.4(NR2E3):c.267G>A (p.Met89Ile)

Gene: NR2E3 (nuclear receptor subfamily 2 group E member 3; plus strand). Cytogenetic location: 15q23.
Variant type: single nucleotide variant.
Coding change: c.267G>A on transcript NM_014249.4 (MANE Select); coding-DNA position 267, G replaced by A.
Protein change: p.Met89Ile; replaces methionine 89 with isoleucine.
Molecular consequence: missense variant.
Genome position (GRCh38, 1-based): chr15:71,811,787, G>A. VCF-style: chr15-71811787-G-A. GRCh37 (hg19) VCF-style: chr15-72104127-G-A.
Other names: c.267G>A, p.Met89Ile (NM_016346.4); short protein forms M89I.
Identifiers: ClinVar variation 3719770 (VCV003719770.2).

ClinVar aggregate classification (germline): Uncertain significance (1 of 4 stars; one submission).

Submission:

Labcorp Genetics (formerly Invitae), Labcorp
Classification: Uncertain significance. Last evaluated: 2024-05-28. Review status: criteria provided, single submitter. Criteria: Invitae Variant Classification Sherloc (09022015). Collection method: clinical testing. Allele origin: germline.
Comment: This sequence change replaces methionine, which is neutral and non-polar, with isoleucine, which is neutral and non-polar, at codon 89 of the NR2E3 protein (p.Met89Ile). The frequency data for this variant in the population databases is considered unreliable, as metrics indicate poor data quality at this position in the gnomAD database. This variant has not been reported in the literature in individuals affected with NR2E3-related conditions. Advanced modeling of protein sequence and biophysical properties (such as structural, functional, and spatial information, amino acid conservation, physicochemical variation, residue mobility, and thermodynamic stability) performed at Invitae indicates that this missense variant is not expected to disrupt NR2E3 protein function with a negative predictive value of 80%. In summary, the available evidence is currently insufficient to determine the role of this variant in disease. Therefore, it has been classified as a Variant of Uncertain Significance.